The following is an entry in ClinVar:

NM_000053.4(ATP7B):c.1170A>G (p.Ile390Met)

Gene: ATP7B (ATPase copper transporting beta; minus strand). Cytogenetic location: 13q14.3.
Variant type: single nucleotide variant.
Coding change: c.1170A>G on transcript NM_000053.4 (MANE Select); coding-DNA position 1170, A replaced by G.
Protein change: p.Ile390Met; replaces isoleucine 390 with methionine.
Molecular consequence: missense variant.
Genome position (GRCh38, 1-based): chr13:51,974,050, T>C on the plus strand (A>G on the coding strand, the complement: ATP7B is on the minus strand). VCF-style: chr13-51974050-T-C. GRCh37 (hg19) VCF-style: chr13-52548186-T-C.
Other names: c.1170A>G, p.Ile390Met (NM_001005918.3, NM_001330578.2, NM_001330579.2 and 29 more transcripts); c.837A>G, p.Ile279Met (NM_001243182.2); c.1074A>G, p.Ile358Met (NM_001406517.1, NM_001406518.1, NM_001406536.1 and 3 more transcripts); c.741A>G, p.Ile247Met (NM_001406539.1); short protein forms I390M, I247M, I279M, I358M.
Identifiers: ClinVar variation 1923419 (VCV001923419.2), dbSNP rs2547814296, ClinGen allele CA388038585.
Genomic context (GRCh38, chr13:51,974,050, plus strand): 5'-TGGGCTAATTACAGAGGGATTATAAAGAACTGTTGCAGTCCCTTCGGCCAAAGACACCGA[T>C]ATTTGCTGCACCCCTTCCAGTTGGGAGATCATGCCTTCAATGGAATGGACACAGGATGCA-3'
Protein context (NP_000044.2, residues 380-400): MISQLEGVQQ[Ile390Met]SVSLAEGTAT

ClinVar aggregate classification (germline): Uncertain significance (1 of 4 stars; one submission).

Conditions:
Wilson disease (WND). Also called: Wilson's disease. Identifiers: Orphanet 905, MedGen C0019202, MONDO:0010200, OMIM 277900. Disease mechanism: loss of function.

Allele frequency attached by ClinVar (database versions not stated): gnomAD exomes below 0.00001.
gnomAD v4.1: 2 of 1,614,208 alleles (0.00012%); highest among the groups gnomAD compares: Non-Finnish European, 0.00017%; no homozygotes.

Submission:

Labcorp Genetics (formerly Invitae), Labcorp
Classification: Uncertain significance for Wilson disease. Last evaluated: 2022-05-22. Review status: criteria provided, single submitter. Criteria: Invitae Variant Classification Sherloc (09022015). Collection method: clinical testing. Allele origin: germline.
Comment: This sequence change replaces isoleucine, which is neutral and non-polar, with methionine, which is neutral and non-polar, at codon 390 of the ATP7B protein (p.Ile390Met). This variant is not present in population databases (gnomAD no frequency). This variant has not been reported in the literature in individuals affected with ATP7B-related conditions. Advanced modeling of protein sequence and biophysical properties (such as structural, functional, and spatial information, amino acid conservation, physicochemical variation, residue mobility, and thermodynamic stability) performed at Invitae indicates that this missense variant is not expected to disrupt ATP7B protein function. In summary, the available evidence is currently insufficient to determine the role of this variant in disease. Therefore, it has been classified as a Variant of Uncertain Significance.